The following is an entry in ClinVar:

ClinVar aggregate classification (germline): Uncertain significance. Review status: criteria provided, multiple submitters, no conflicts (2 of 4 stars). 2 submissions from 2 submitters: Uncertain significance (2). Last evaluated 2025-09-01.

Allele frequency attached by ClinVar (database versions not stated): ExAC 0.00001; gnomAD exomes 0.00001; TOPMed 0.00001.

Submissions (2):

Ambry Genetics
Classification: Uncertain significance. Last evaluated: 2025-09-01. Review status: criteria provided, single submitter. Criteria: Ambry Variant Classification Scheme 2023. Collection method: clinical testing. Allele origin: germline.

Labcorp Genetics (formerly Invitae), Labcorp
Classification: Uncertain significance. Last evaluated: 2022-02-02. Review status: criteria provided, single submitter. Criteria: Invitae Variant Classification Sherloc (09022015). Collection method: clinical testing. Allele origin: germline.
Comment: In summary, the available evidence is currently insufficient to determine the role of this variant in disease. Therefore, it has been classified as a Variant of Uncertain Significance. This sequence change replaces glutamic acid, which is acidic and polar, with aspartic acid, which is acidic and polar, at codon 308 of the PITPNM3 protein (p.Glu308Asp). This variant is present in population databases (rs768545157, gnomAD 0.002%). This variant has not been reported in the literature in individuals affected with PITPNM3-related conditions. Algorithms developed to predict the effect of missense changes on protein structure and function (SIFT, PolyPhen-2, Align-GVGD) all suggest that this variant is likely to be tolerated.

NM_031220.4(PITPNM3):c.924A>T (p.Glu308Asp)

Gene: PITPNM3 (PITPNM family member 3; minus strand). Cytogenetic location: 17p13.2.
Variant type: single nucleotide variant.
Coding change: c.924A>T on transcript NM_031220.4 (MANE Select); coding-DNA position 924, A replaced by T.
Protein change: p.Glu308Asp; replaces glutamic acid 308 with aspartic acid.
Molecular consequence: missense variant.
Genome position (GRCh38, 1-based): chr17:6,477,190, T>A on the plus strand (A>T on the coding strand, the complement: PITPNM3 is on the minus strand). VCF-style: chr17-6477190-T-A. GRCh37 (hg19) VCF-style: chr17-6380510-T-A.
Other names: c.816A>T, p.Glu272Asp (NM_001165966.2); c.924A>T (NM_031220.3); short protein forms E272D, E308D.
Identifiers: ClinVar variation 1508341 (VCV001508341.9), dbSNP rs768545157, ClinGen allele CA8329663.